The following is an entry in ClinVar:

ClinVar aggregate classification (germline): Likely benign. Review status: criteria provided, multiple submitters, no conflicts (2 of 4 stars). 4 submissions from 4 submitters: Likely benign (4). Last evaluated 2025-12-23.

Conditions:
Cardiovascular phenotype. Identifiers: MedGen CN230736.
Naxos disease (NXD). Also called: WOOLLY HAIR, PALMOPLANTAR KERATODERMA, AND CARDIAC ABNORMALITIES; CARDIOMYOPATHY, ARRHYTHMOGENIC RIGHT VENTRICULAR, WITH SKIN, HAIR, AND NAIL ABNORMALITIES; KERATOSIS PALMOPLANTARIS WITH ARRHYTHMOGENIC CARDIOMYOPATHY; MAL DE NAXOS; PALMOPLANTAR KERATODERMA WITH ARRHYTHMOGENIC RIGHT VENTRICULAR CARDIOMYOPATHY AND WOOLLY HAIR. Identifiers: Orphanet 34217, MedGen C1832600, MONDO:0011017, OMIM 601214.
Arrhythmogenic right ventricular dysplasia 12. Also called: ARRHYTHMOGENIC RIGHT VENTRICULAR DYSPLASIA, FAMILIAL, 12. Identifiers: MedGen C1969081, MONDO:0012684, OMIM 611528.

Allele frequency attached by ClinVar (database versions not stated): gnomAD exomes below 0.00001 and 0.00001; gnomAD 0.00003; TOPMed 0.00003.
gnomAD v4.1: 17 of 1,614,140 alleles (0.0011%); highest among the groups gnomAD compares: Non-Finnish European, 0.0014%; no homozygotes.

Submissions (4):

Labcorp Genetics (formerly Invitae), Labcorp
Classification: Likely benign for Arrhythmogenic right ventricular dysplasia 12; Naxos disease. Last evaluated: 2025-12-23. Review status: criteria provided, single submitter. Criteria: Invitae Variant Classification Sherloc (09022015). Collection method: clinical testing. Allele origin: germline.

Fulgent Genetics
Classification: Likely benign for Naxos disease; Arrhythmogenic right ventricular dysplasia 12. Last evaluated: 2021-09-13. Review status: criteria provided, single submitter. Criteria: ACMG Guidelines, 2015. Collection method: clinical testing. Allele origin: unknown.

Ambry Genetics
Classification: Likely benign for Cardiovascular phenotype. Last evaluated: 2020-11-04. Review status: criteria provided, single submitter. Criteria: Ambry Variant Classification Scheme 2023. Collection method: clinical testing. Allele origin: germline.

Laboratory for Molecular Medicine, Mass General Brigham Personalized Medicine
Classification: Likely benign. Last evaluated: 2016-05-12. Review status: criteria provided, single submitter. Criteria: LMM Criteria. Collection method: clinical testing. Allele origin: germline. Observed: 1 variant allele.
Comment: p.Thr420Thr in exon 8 of JUP: This variant is not expected to have clinical sign ificance because it does not alter an amino acid residue and is not located with in the splice consensus sequence.

NM_002230.4(JUP):c.1290A>G (p.Thr430=)

Gene: JUP (junction plakoglobin; minus strand). Cytogenetic location: 17q21.2.
Variant type: single nucleotide variant.
Coding change: c.1290A>G on transcript NM_002230.4 (MANE Select); coding-DNA position 1290, A replaced by G.
Protein change: p.Thr430=; no amino-acid change (threonine 430 retained).
Molecular consequence: synonymous variant.
Genome position (GRCh38, 1-based): chr17:41,763,190, T>C on the plus strand (A>G on the coding strand, the complement: JUP is on the minus strand). VCF-style: chr17-41763190-T-C. GRCh37 (hg19) VCF-style: chr17-39919442-T-C.
Other names: c.1290A>G, p.Thr430= (NM_001352773.2, NM_001352774.2, NM_001352775.2 and 3 more transcripts).
Identifiers: ClinVar variation 504992 (VCV000504992.29), dbSNP rs897549158, ClinGen allele CA290698925.